The following is an entry in ClinVar:

ClinVar aggregate classification (germline): Pathogenic (1 of 4 stars; one submission).

Conditions:
Autosomal recessive nonsyndromic hearing loss 18B. Also called: Deafness, autosomal recessive 18b. Identifiers: Orphanet 90636, MedGen C3554163, MONDO:0013985, OMIM 614945.

gnomAD v4.1: 1 of 1,550,434 alleles (0.000064%); no homozygotes.

Submission:

Victorian Clinical Genetics Services, Murdoch Childrens Research Institute
Classification: Pathogenic for Autosomal recessive nonsyndromic hearing loss 18B. Last evaluated: 2020-05-21. Review status: criteria provided, single submitter. Criteria: ACMG Guidelines, 2015. Collection method: clinical testing. Allele origin: germline. Inheritance: Autosomal recessive inheritance. Affected: yes.
Comment: Based on the classification scheme VCGS_Germline_v1.1.1, this variant is classified as Pathogenic. Following criteria are met: 0102 - Loss-of-function is a known mechanism of disease for this gene. (N) 0106 - This gene is known to be associated with autosomal recessive disease. (N) 0201 - Variant is predicted to cause nonsense-mediated decay (NMD) and loss of protein (exon 20 of 55). (P) 0251 - Variant is heterozygous. (N) 0301 - Variant is absent from gnomAD. (P) 0701 - Comparable variants have very strong previous evidence for pathogenicity. More than 10 NMD-predicted variants have been reported as likely pathogenic/pathogenic (ClinVar). (P) 0807 - Variant has not previously been reported in a clinical context. (N) 0905 - No segregation evidence has been identified for this variant. (N) 1007 - No published functional evidence has been identified for this variant. (N) 1208 - Inheritance information for this variant is not currently available. (N) Legend: (P) - Pathogenic, (N) - Neutral, (B) - Benign

NM_001292063.2(OTOG):c.2523T>A (p.Tyr841Ter)

Gene: OTOG (otogelin; plus strand). Cytogenetic location: 11p15.1.
Variant type: single nucleotide variant.
Coding change: c.2523T>A on transcript NM_001292063.2 (MANE Select); coding-DNA position 2523, T replaced by A.
Protein change: p.Tyr841Ter; replaces tyrosine 841 with a stop codon.
Molecular consequence: nonsense.
Genome position (GRCh38, 1-based): chr11:17,576,592, T>A. VCF-style: chr11-17576592-T-A. GRCh37 (hg19) VCF-style: chr11-17598139-T-A.
Other names: c.2559T>A, p.Tyr853Ter (NM_001277269.2); short protein forms Y841*, Y853*.
Identifiers: ClinVar variation 1805713 (VCV001805713.1), dbSNP rs2497432294, ClinGen allele CA379773619.